The following is an entry in ClinVar:

NM_004944.4(DNASE1L3):c.782A>C (p.Tyr261Ser)

Gene: DNASE1L3 (deoxyribonuclease 1L3; minus strand). Cytogenetic location: 3p14.3.
Variant type: single nucleotide variant.
Coding change: c.782A>C on transcript NM_004944.4 (MANE Select); coding-DNA position 782, A replaced by C.
Protein change: p.Tyr261Ser; replaces tyrosine 261 with serine.
Molecular consequence: missense variant.
Genome position (GRCh38, 1-based): chr3:58,193,362, T>G on the plus strand (A>C on the coding strand, the complement: DNASE1L3 is on the minus strand). VCF-style: chr3-58193362-T-G. GRCh37 (hg19) VCF-style: chr3-58179089-T-G.
Other names: c.692A>C, p.Tyr231Ser (NM_001256560.2); short protein forms Y231S, Y261S.
Identifiers: ClinVar variation 1508421 (VCV001508421.6), dbSNP rs146444966, ClinGen allele CA353337668.

ClinVar aggregate classification (germline): Uncertain significance (1 of 4 stars; one submission).

Submission:

Labcorp Genetics (formerly Invitae), Labcorp
Classification: Uncertain significance. Last evaluated: 2021-07-28. Review status: criteria provided, single submitter. Criteria: Invitae Variant Classification Sherloc (09022015). Collection method: clinical testing. Allele origin: germline.
Comment: In summary, the available evidence is currently insufficient to determine the role of this variant in disease. Therefore, it has been classified as a Variant of Uncertain Significance. Algorithms developed to predict the effect of missense changes on protein structure and function (SIFT, PolyPhen-2, Align-GVGD) all suggest that this variant is likely to be disruptive. This variant has not been reported in the literature in individuals affected with DNASE1L3-related conditions. This variant is not present in population databases (ExAC no frequency). This sequence change replaces tyrosine with serine at codon 261 of the DNASE1L3 protein (p.Tyr261Ser). The tyrosine residue is highly conserved and there is a large physicochemical difference between tyrosine and serine.